The following is an entry in ClinVar:

ClinVar aggregate classification (germline): Likely pathogenic. Review status: criteria provided, single submitter (1 of 4 stars). 2 submissions from 2 submitters: Likely pathogenic (1). 1 of the submissions does not count toward it. Last evaluated 2025-03-03.

Conditions:
Nemaline myopathy 2 (NEM2). Also called: Nemaline myopathy 2, autosomal recessive. Identifiers: MedGen C1850569, MONDO:0009725, OMIM 256030.
Nemaline myopathy. Also called: Myopathies, Nemaline. Identifiers: Orphanet 607, MedGen C0206157, MONDO:0018958.

Submissions (2):

Broad Center for Mendelian Genomics, Broad Institute of MIT and Harvard
Classification: Likely pathogenic for Nemaline myopathy. Last evaluated: 2025-03-03. Review status: criteria provided, single submitter. Criteria: ACMG Guidelines, 2015. Collection method: curation. Allele origin: germline. Inheritance: Autosomal recessive inheritance.
Comment: The p.Leu7800CysfsTer25 variant in NEB has been reported in one individual with nemaline myopathy (PMID: 10051637) and has been identified in 0.006% (4/63884) of European (Finnish) chromosomes by the Genome Aggregation Database (gnomAD; dbSNP ID: rs1057515574). Although this variant has been seen in the general population in a heterozygous state, its frequency is low enough to be consistent with a recessive carrier frequency. This variant has also been reported in ClinVar (Variation ID: 14047) and has been interpreted as pathogenic by OMIM. This variant is predicted to cause a frameshift, which alters the protein‚Äôs amino acid sequence beginning at position 7800 and leads to a premature termination codon 25 amino acids downstream. This alteration is then predicted to lead to a truncated or absent protein. Loss of function of the NEB gene is an established disease mechanism in autosomal recessive nemaline myopathy. In summary, although additional studies are required to fully establish its clinical significance, this variant is likely pathogenic for autosomal recessive nemaline myopathy. ACMG/AMP Criteria applied: PVS1, PM2_supporting (Richards 2015).

OMIM
Classification: Pathogenic for NEMALINE MYOPATHY 2. Last evaluated: 1999-03-02. Review status: no assertion criteria provided. Collection method: literature only. Allele origin: germline. Not counted in ClinVar's aggregate classification.

Literature cited by the submitters: PubMed 10051637 (cited by OMIM).

NM_001164508.2(NEB):c.23395_23398dup (p.Leu7800fs)

Genes: NEB (nebulin; minus strand), RIF1 (replication timing regulatory factor 1; plus strand). Cytogenetic location: 2q23.3.
Variant type: Duplication.
Coding change: c.23395_23398dup on transcript NM_001164508.2 (MANE Select); coding-DNA positions 23395 to 23398, 4 bases duplicated (GTTT; older notation c.23395_23398dupGTTT).
Protein change: p.Leu7800fs; shifts the reading frame from leucine 7800.
Molecular consequence: frameshift variant.
Genome position (GRCh38, 1-based): chr2:151,508,058-151,508,061, AAAC duplicated on the plus strand (GTTT on the coding strand, the reverse complement: NEB is on the minus strand); duplicating any 4 consecutive bases within chr2:151,508,058-151,508,062 gives the same sequence; the c. name uses the placement nearest the transcript's 3' end. VCF-style (leftmost placement, unchanged base first): chr2-151508057-A-AAAAC. GRCh37 (hg19) VCF-style: chr2-152364571-A-AAAAC.
Other names: NM_001164508.2(NEB):c.23395_23398dup; p.Leu7800fs; c.23395_23398dup, p.Leu7800fs (NM_001164507.2); c.23500_23503dup, p.Leu7835fs (NM_001271208.2); c.18292_18295dup, p.Leu6099fs (NM_004543.5); short protein forms L6099fs, L7835fs, L7800fs.
Identifiers: ClinVar variation 14047 (VCV000014047.3), dbSNP rs1057515574, ClinGen allele CA16040600.
Genomic context (GRCh38, chr2:151,508,057, plus strand): 5'-AAACTTACAAGGCTGAAGTTCTTTTGGTTCTCCCGGACTCTCTGTATCTCTGGGGTGTCC[A>AAAAC]AAACAGTCTCATAATACGACATGGACTTCTCAGCATCTTCCTTGTACTTTTTCTGGGAAT-3'